The following is an entry in ClinVar:

NM_001130987.2(DYSF):c.1628T>G (p.Leu543Arg)

Gene: DYSF (dysferlin; plus strand). Cytogenetic location: 2p13.2.
Variant type: single nucleotide variant.
Coding change: c.1628T>G on transcript NM_001130987.2 (MANE Select); coding-DNA position 1628, T replaced by G.
Protein change: p.Leu543Arg; replaces leucine 543 with arginine.
Molecular consequence: missense variant.
Genome position (GRCh38, 1-based): chr2:71,551,092, T>G. VCF-style: chr2-71551092-T-G. GRCh37 (hg19) VCF-style: chr2-71778222-T-G.
Other names: c.1577T>G, p.Leu526Arg (NM_001130455.2, NM_001130983.2); c.1532T>G, p.Leu511Arg (NM_001130976.2, NM_001130977.2); c.1574T>G, p.Leu525Arg (NM_001130978.2, NM_003494.4); c.1667T>G, p.Leu556Arg (NM_001130979.2); c.1625T>G, p.Leu542Arg (NM_001130980.2, NM_001130981.2); c.1670T>G, p.Leu557Arg (NM_001130982.2); c.1535T>G, p.Leu512Arg (NM_001130984.2, NM_001130986.2); c.1628T>G, p.Leu543Arg (NM_001130985.2); short protein forms L511R, L512R, L525R, L526R, L542R, L543R, L556R, L557R.
Identifiers: ClinVar variation 3896849 (VCV003896849.1).

ClinVar aggregate classification (germline): Uncertain significance (1 of 4 stars; one submission).

Conditions:
Autosomal recessive limb-girdle muscular dystrophy type 2B (LGMDR2). Also called: MUSCULAR DYSTROPHY, LIMB-GIRDLE, AUTOSOMAL RECESSIVE 2; MUSCULAR DYSTROPHY, LIMB-GIRDLE, TYPE 3; Limb-girdle muscular dystrophy, type 2B; Limb-Girdle Muscular Dystrophy Type 2B (LGMD2B). Identifiers: Orphanet 268, MedGen C1850889, MONDO:0009676, OMIM 253601.

Submission:

Kariminejad - Najmabadi Pathology & Genetics Center
Classification: Uncertain significance for Autosomal recessive limb-girdle muscular dystrophy type 2B. Last evaluated: 2024-01-07. Review status: criteria provided, single submitter. Criteria: ACMG Guidelines, 2015. Collection method: clinical testing. Allele origin: germline. Inheritance: Autosomal recessive inheritance. Affected: yes.
Comment: PP3_Moderate,PM2